The following is an entry in ClinVar:

NM_001922.5(DCT):c.1180-12A>G

Gene: DCT (dopachrome tautomerase; minus strand). Cytogenetic location: 13q32.1.
Variant type: single nucleotide variant.
Coding change: c.1180-12A>G on transcript NM_001922.5 (MANE Select); 12 bases into the intron before coding-DNA position 1180, A replaced by G.
Molecular consequence: intron variant.
Genome position (GRCh38, 1-based): chr13:94,443,649, T>C on the plus strand (A>G on the coding strand, the complement: DCT is on the minus strand). VCF-style: chr13-94443649-T-C. GRCh37 (hg19) VCF-style: chr13-95095903-T-C.
Other names: c.1279-12A>G (NM_001129889.3); c.247-12A>G (NM_001322182.2, NM_001322185.2, NM_001322183.2 and 1 more transcripts); c.991-12A>G (NM_001322186.2).
Identifiers: ClinVar variation 4884890 (VCV004884890.1).

ClinVar aggregate classification (germline): Uncertain significance (1 of 4 stars; one submission).

gnomAD v4.1: 291 of 1,604,116 alleles (0.018%); highest among the groups gnomAD compares: Non-Finnish European, 0.023%; 1 homozygote.

Submission:

GeneDx
Classification: Uncertain significance. Last evaluated: 2026-03-27. Review status: criteria provided, single submitter. Criteria: GeneDx Variant Classification Process June 2021. Collection method: clinical testing. Allele origin: germline.
Comment: In silico analysis supports a deleterious effect on splicing; Has not been previously published as pathogenic or benign to our knowledge